The following is an entry in ClinVar:

ClinVar aggregate classification (germline): Uncertain significance. Review status: criteria provided, multiple submitters, no conflicts (2 of 4 stars). 2 submissions from 2 submitters: Uncertain significance (2). Last evaluated 2025-07-15.

Submissions (2):

Ambry Genetics
Classification: Uncertain significance. Last evaluated: 2025-07-15. Review status: criteria provided, single submitter. Criteria: Ambry Variant Classification Scheme 2023. Collection method: clinical testing. Allele origin: germline.

Labcorp Genetics (formerly Invitae), Labcorp
Classification: Uncertain significance. Last evaluated: 2025-03-11. Review status: criteria provided, single submitter. Criteria: Invitae Variant Classification Sherloc (09022015). Collection method: clinical testing. Allele origin: germline.
Comment: This sequence change replaces valine, which is neutral and non-polar, with methionine, which is neutral and non-polar, at codon 205 of the LRRC8A protein (p.Val205Met). The frequency data for this variant in the population databases is considered unreliable, as metrics indicate poor data quality at this position in the gnomAD database. This variant has not been reported in the literature in individuals affected with LRRC8A-related conditions. An algorithm developed to predict the effect of missense changes on protein structure and function (PolyPhen-2) suggests that this variant is likely to be disruptive. In summary, the available evidence is currently insufficient to determine the role of this variant in disease. Therefore, it has been classified as a Variant of Uncertain Significance.

NM_019594.4(LRRC8A):c.613G>A (p.Val205Met)

Gene: LRRC8A (leucine rich repeat containing 8 VRAC subunit A; plus strand). Cytogenetic location: 9q34.11.
Variant type: single nucleotide variant.
Coding change: c.613G>A on transcript NM_019594.4 (MANE Select); coding-DNA position 613, G replaced by A.
Protein change: p.Val205Met; replaces valine 205 with methionine.
Molecular consequence: missense variant.
Genome position (GRCh38, 1-based): chr9:128,907,777, G>A. VCF-style: chr9-128907777-G-A. GRCh37 (hg19) VCF-style: chr9-131670056-G-A.
Other names: c.613G>A, p.Val205Met (NM_001127244.2, NM_001127245.2); c.613G>A (NM_001127244.1); short protein forms V205M.
Identifiers: ClinVar variation 3716650 (VCV003716650.3).